The following is an entry in ClinVar:

ClinVar aggregate classification (germline): Uncertain significance. Review status: criteria provided, multiple submitters, no conflicts (2 of 4 stars). 2 submissions from 2 submitters: Uncertain significance (2). Last evaluated 2024-09-02.

Conditions:
Inborn genetic diseases. Identifiers: MedGen C0950123, MeSH D030342.
Deficiency of alpha-mannosidase (MANSA). Also called: Mannosidosis, alpha-, types I and II; LYSOSOMAL ALPHA-D-MANNOSIDASE DEFICIENCY; Alpha-Mannosidosis. Identifiers: Orphanet 61, MedGen C0024748, MONDO:0009561, OMIM 248500.

Allele frequency attached by ClinVar (database versions not stated): ExAC 0.00001; gnomAD 0.00003; TOPMed 0.00003.
gnomAD v4.1: 7 of 1,614,010 alleles (0.00043%); highest among the groups gnomAD compares: Admixed American, 0.005%; no homozygotes.

Submissions (2):

Ambry Genetics
Classification: Uncertain significance for Inborn genetic diseases. Last evaluated: 2024-09-02. Review status: criteria provided, single submitter. Criteria: Ambry Variant Classification Scheme 2023. Collection method: clinical testing. Allele origin: germline.

Labcorp Genetics (formerly Invitae), Labcorp
Classification: Uncertain significance for Deficiency of alpha-mannosidase. Last evaluated: 2022-02-11. Review status: criteria provided, single submitter. Criteria: Invitae Variant Classification Sherloc (09022015). Collection method: clinical testing. Allele origin: germline.
Comment: This sequence change replaces aspartic acid, which is acidic and polar, with glycine, which is neutral and non-polar, at codon 222 of the MAN2B1 protein (p.Asp222Gly). This variant is not present in population databases (gnomAD no frequency). This variant has not been reported in the literature in individuals affected with MAN2B1-related conditions. Advanced modeling of protein sequence and biophysical properties (such as structural, functional, and spatial information, amino acid conservation, physicochemical variation, residue mobility, and thermodynamic stability) performed at Invitae indicates that this missense variant is expected to disrupt MAN2B1 protein function. In summary, the available evidence is currently insufficient to determine the role of this variant in disease. Therefore, it has been classified as a Variant of Uncertain Significance.

NM_000528.4(MAN2B1):c.665A>G (p.Asp222Gly)

Gene: MAN2B1 (mannosidase alpha class 2B member 1; minus strand). Cytogenetic location: 19p13.13.
Variant type: single nucleotide variant.
Coding change: c.665A>G on transcript NM_000528.4 (MANE Select); coding-DNA position 665, A replaced by G.
Protein change: p.Asp222Gly; replaces aspartic acid 222 with glycine.
Molecular consequence: missense variant.
Genome position (GRCh38, 1-based): chr19:12,663,801, T>C on the plus strand (A>G on the coding strand, the complement: MAN2B1 is on the minus strand). VCF-style: chr19-12663801-T-C. GRCh37 (hg19) VCF-style: chr19-12774615-T-C.
Other names: c.665A>G, p.Asp222Gly (NM_001173498.2); short protein forms D222G.
Identifiers: ClinVar variation 1984530 (VCV001984530.3), dbSNP rs767313931, ClinGen allele CA9226737.